The following is an entry in ClinVar:

NM_003002.4(SDHD):c.137T>A (p.Val46Glu)

Gene: SDHD (succinate dehydrogenase complex subunit D; plus strand). Cytogenetic location: 11q23.1.
Variant type: single nucleotide variant.
Coding change: c.137T>A on transcript NM_003002.4 (MANE Select); coding-DNA position 137, T replaced by A.
Protein change: p.Val46Glu; replaces valine 46 with glutamic acid.
Molecular consequence: missense variant. On other transcripts: non-coding transcript variant (1), intron variant (1).
Genome position (GRCh38, 1-based): chr11:112,087,941, T>A. VCF-style: chr11-112087941-T-A. GRCh37 (hg19) VCF-style: chr11-111958665-T-A.
Other names: c.137T>A, p.Val46Glu (NM_001276503.2, NM_001276506.2); c.53-926T>A (NM_001276504.2); short protein forms V46E.
Identifiers: ClinVar variation 1771261 (VCV001771261.3), dbSNP rs2135267375, ClinGen allele CA382617064.
Genomic context (GRCh38, chr11:112,087,941, plus strand): 5'-TCAGACCTGCTCATATCTCAGCATTTCTTCAGGACCGACCTATCCCAGAATGGTGTGGAG[T>A]GCAGCACATACACTTGTCACCGAGCCACCATTGTATGTTCTCTCCATCGCTGCTGCTTTC-3'
Protein context (NP_002993.1, residues 36-56): QDRPIPEWCG[Val46Glu]QHIHLSPSHH

ClinVar aggregate classification (germline): Uncertain significance (1 of 4 stars; one submission).

Conditions:
Hereditary cancer-predisposing syndrome. Also called: Hereditary Cancer Syndrome; Hereditary neoplastic syndrome; Neoplastic Syndromes, Hereditary; Tumor predisposition. Identifiers: Orphanet 140162, MedGen C0027672, MeSH D009386, MONDO:0015356.

Submission:

Ambry Genetics
Classification: Uncertain significance for Hereditary cancer-predisposing syndrome. Last evaluated: 2025-07-10. Review status: criteria provided, single submitter. Criteria: Ambry Variant Classification Scheme 2023. Collection method: clinical testing. Allele origin: germline.
Comment: The p.V46E variant (also known as c.137T>A), located in coding exon 2 of the SDHD gene, results from a T to A substitution at nucleotide position 137. The valine at codon 46 is replaced by glutamic acid, an amino acid with dissimilar properties. This amino acid position is conserved. In addition, the in silico prediction for this alteration is inconclusive. Since supporting evidence is limited at this time, the clinical significance of this alteration remains unclear.